The following is an entry in ClinVar:

NM_001079843.3(CASZ1):c.118del (p.Arg40fs)

Gene: CASZ1 (castor zinc finger 1; minus strand). Cytogenetic location: 1p36.22.
Variant type: Deletion.
Coding change: c.118del on transcript NM_001079843.3 (MANE Select); coding-DNA position 118, one base deleted (C; older notation c.118delC).
Protein change: p.Arg40fs; shifts the reading frame from arginine 40.
Molecular consequence: frameshift variant.
Genome position (GRCh38, 1-based): chr1:10,665,470, G deleted on the plus strand (C on the coding strand, the reverse complement: CASZ1 is on the minus strand); the first of 2 consecutive G bases (chr1:10,665,470-10,665,471); deleting either gives the same sequence. VCF-style (leftmost placement, unchanged base first): chr1-10665469-CG-C. GRCh37 (hg19) VCF-style: chr1-10725526-CG-C.
Other names: c.118del, p.Arg40fs (NM_017766.5); short protein forms R40fs.
Identifiers: ClinVar variation 3342789 (VCV003342789.1).
Genomic context (GRCh38, chr1:10,665,469, plus strand): 5'-TGCGATGGGCTGCCCTCCGTGTGGGAGCCGGCGTCAGCTCGCTTCTCCACCACCACCTGG[CG>C]GCTCAGCTTGGCGCAGATGGCGTTCAGCTTCAGGCCACCCTTGCGTTTGGGCGCCATGGC-3'

ClinVar aggregate classification (germline): Uncertain significance (1 of 4 stars; one submission).

Submission:

GeneDx
Classification: Uncertain significance. Last evaluated: 2023-01-10. Review status: criteria provided, single submitter. Criteria: GeneDx Variant Classification Process June 2021. Collection method: clinical testing. Allele origin: germline. Affected: yes.
Comment: Not observed at significant frequency in large population cohorts (gnomAD); Frameshift variant predicted to result in protein truncation or nonsense mediated decay in a gene for which loss of function is not a well-established mechanism of disease; Has not been previously published as pathogenic or benign to our knowledge; Variants in candidate genes are classified as variants of uncertain significance in accordance with ACMG guidelines (Richards et al., 2015)